The following is an entry in ClinVar:

ClinVar aggregate classification (germline): conflicting data from submitters (0 of 4 stars; one submission).

Submission:

ISCA site 1
Classification: conflicting data from submitters. Last evaluated: 2012-08-27. Review status: no assertion criteria provided. Collection method: clinical testing. Allele origin: paternal, unknown. Affected: yes. Observed: 2 variant alleles.
Comment: Uncertain significance(1), Likely benign (1)

Copy number variation identified through the course of routine clinical cytogenomic testing in postnatal populations, with clinical assertions as classified by the original submitter. For data from the original published study, Kaminsky, et al. 2011 (PubMed 21844811), please see nstd101.

GRCh38/hg38 11p11.2(chr11:48067028-48761561)x3

Genes: MIR3161 (microRNA 3161; plus strand), OR4A47 (olfactory receptor family 4 subfamily A member 47; plus strand), OR4B1 (olfactory receptor family 4 subfamily B member 1; plus strand), OR4C3 (olfactory receptor family 4 subfamily C member 3; plus strand), OR4C5 (olfactory receptor family 4 subfamily C member 5; minus strand) and 4 more. Cytogenetic location: 11p11.2.
Variant type: copy number gain.
Change: copy number 3 (three copies instead of two) of chr11:48,067,028-48,761,561 (694.5 kb, GRCh38 coordinates, 1-based), cytogenetic band 11p11.2.
Identifiers: ClinVar variation 149097 (VCV000149097.2).